The following is an entry in ClinVar:

ClinVar aggregate classification (germline): Pathogenic (1 of 4 stars; one submission).

Conditions:
Familial thoracic aortic aneurysm and aortic dissection (TAAD). Also called: Thoracic aortic aneurysms and dissections. Identifiers: Orphanet 91387, MedGen C4707243, MONDO:0019625.
Marfan syndrome (MFS). Also called: FBN1-Related Marfan Syndrome; Marfan's syndrome; MARFAN SYNDROME, TYPE I; Marfan syndrome type 1; Marfan syndrome, classic. Identifiers: Orphanet 284963, Orphanet 558, MedGen C0024796, MONDO:0007947, OMIM 154700.

Submission:

Labcorp Genetics (formerly Invitae), Labcorp
Classification: Pathogenic for Marfan syndrome; Familial thoracic aortic aneurysm and aortic dissection. Last evaluated: 2019-04-05. Review status: criteria provided, single submitter. Criteria: Invitae Variant Classification Sherloc (09022015). Collection method: clinical testing. Allele origin: germline.
Comment: For these reasons, this variant has been classified as Pathogenic. Algorithms developed to predict the effect of sequence changes on RNA splicing suggest that this variant may create or strengthen a splice site, but this prediction has not been confirmed by published transcriptional studies. This variant has been observed in several individuals affected with Marfan syndrome or clinical features of the condition (PMID: 10189222, 19863550, Invitae). This variant is not present in population databases (ExAC no frequency). This sequence change creates a premature translational stop signal (p.Val1338Tyrfs*75) in the FBN1 gene. It is expected to result in an absent or disrupted protein product. Loss-of-function variants in FBN1 are known to be pathogenic (PMID: 17657824, 19293843).

Literature cited by the submitters: PubMed 10189222; PubMed 19863550; PubMed 17657824; PubMed 19293843.

NM_000138.5(FBN1):c.4011del (p.Val1338fs)

Gene: FBN1 (fibrillin 1; minus strand). Cytogenetic location: 15q21.1.
Variant type: Deletion.
Coding change: c.4011del on transcript NM_000138.5 (MANE Select); coding-DNA position 4011, one base deleted (T; older notation c.4011delT).
Protein change: p.Val1338fs; shifts the reading frame from valine 1338.
Molecular consequence: frameshift variant.
Genome position (GRCh38, 1-based): chr15:48,474,604, A deleted on the plus strand (T on the coding strand, the reverse complement: FBN1 is on the minus strand). VCF-style (leftmost placement, unchanged base first): chr15-48474603-CA-C. GRCh37 (hg19) VCF-style: chr15-48766800-CA-C.
Other names: short protein forms V1338fs.
Identifiers: ClinVar variation 854447 (VCV000854447.9), dbSNP rs2043404959, ClinGen allele CA916082396.